The following is an entry in ClinVar:

NM_001844.5(COL2A1):c.3003+6T>A

Gene: COL2A1 (collagen type II alpha 1 chain; minus strand). Cytogenetic location: 12q13.11.
Variant type: single nucleotide variant.
Coding change: c.3003+6T>A on transcript NM_001844.5 (MANE Select); 6 bases into the intron after coding-DNA position 3003, T replaced by A.
Molecular consequence: intron variant.
Genome position (GRCh38, 1-based): chr12:47,978,285, A>T on the plus strand (T>A on the coding strand, the complement: COL2A1 is on the minus strand). VCF-style: chr12-47978285-A-T. GRCh37 (hg19) VCF-style: chr12-48372068-A-T.
Other names: c.3003+6T>A (NM_001844.4); c.2796+6T>A (NM_033150.3).
Identifiers: ClinVar variation 2030618 (VCV002030618.7), dbSNP rs1592202300, ClinGen allele CA2580085518.
Genomic context (GRCh38, chr12:47,978,285, plus strand): 5'-GAGGGAGGTAGAAGCCTTGGCAGGCAGGGCCCAGCTTGGATGGAGGGAGGGATACCCCAC[A>T]CTCACCGACGGGCCAGGCAAGCCAGGGAATCCTCTCTCACCACGTTGCCCAGGCAGACCG-3'

ClinVar aggregate classification (germline): Uncertain significance. Review status: criteria provided, multiple submitters, no conflicts (2 of 4 stars). 3 submissions from 3 submitters: Uncertain significance (2). 1 of the submissions does not count toward it. Last evaluated 2024-01-13.

Conditions:
COL2A1-related disorder. Also called: COL2A1-related condition; COL2A1-related disorders.

Submissions (3):

Labcorp Genetics (formerly Invitae), Labcorp
Classification: Uncertain significance. Last evaluated: 2024-01-13. Review status: criteria provided, single submitter. Criteria: Invitae Variant Classification Sherloc (09022015). Collection method: clinical testing. Allele origin: germline.
Comment: This sequence change falls in intron 43 of the COL2A1 gene. It does not directly change the encoded amino acid sequence of the COL2A1 protein. It affects a nucleotide within the consensus splice site. This variant is not present in population databases (gnomAD no frequency). This variant has not been reported in the literature in individuals affected with COL2A1-related conditions. ClinVar contains an entry for this variant (Variation ID: 2030618). Variants that disrupt the consensus splice site are a relatively common cause of aberrant splicing (PMID: 17576681, 9536098). Algorithms developed to predict the effect of sequence changes on RNA splicing suggest that this variant may create or strengthen a splice site. In summary, the available evidence is currently insufficient to determine the role of this variant in disease. Therefore, it has been classified as a Variant of Uncertain Significance.

GeneDx
Classification: Uncertain significance. Last evaluated: 2023-08-17. Review status: criteria provided, single submitter. Criteria: GeneDx Variant Classification Process June 2021. Collection method: clinical testing. Allele origin: germline. Affected: yes.
Comment: In silico analysis supports a deleterious effect on splicing; Not observed at significant frequency in large population cohorts (gnomAD); Has not been previously published as pathogenic or benign to our knowledge

PreventionGenetics, part of Exact Sciences
Classification: Uncertain significance for COL2A1-related condition. Last evaluated: 2024-09-19. Review status: no assertion criteria provided. Collection method: clinical testing. Allele origin: germline. Not counted in ClinVar's aggregate classification.
Comment: The COL2A1 c.3003+6T>A variant is predicted to interfere with splicing. To our knowledge, this variant has not been reported in the literature or in a large population database, indicating this variant is rare. This variant has been reported to segregate with Stickler syndrome in a family (Internal Data, PreventionGenetics). This variant is predicted to alter splicing based on available splicing prediction programs (SpliceAI, Jaganathan et al. 2019. PubMed ID: 30661751). However, the use of computer prediction programs is not equivalent to functional evidence. Variants that disrupt the consensus splice sites are a relatively common cause of disease (Zhang. 1998. PubMed ID: 9536098; Buratti et al. 2007. PubMed ID: 17576681). Although we suspect this variant is pathogenic, at this time, the clinical significance of this variant is uncertain due to the absence of conclusive functional and genetic evidence.

Literature cited by the submitters: PubMed 17576681 (cited by Labcorp Genetics (formerly Invitae), Labcorp); PubMed 9536098 (cited by Labcorp Genetics (formerly Invitae), Labcorp).